The following is an entry in ClinVar:

NM_001320.7(CSNK2B):c.342_343del (p.Cys114_Glu115delinsTer)

Gene: CSNK2B (casein kinase 2 beta; plus strand). Cytogenetic location: 6p21.33.
Variant type: Microsatellite.
Coding change: c.342_343del on transcript NM_001320.7 (MANE Select); coding-DNA positions 342 to 343, 2 bases deleted (TG; older notation c.342_343delTG).
Protein change: p.Cys114_Glu115delinsTer.
Molecular consequence: nonsense.
Genome position (GRCh38, 1-based): chr6:31,669,147-31,669,148, TG deleted; deleting any 2 consecutive bases within chr6:31,669,145-31,669,148 gives the same sequence; the c. name uses the placement nearest the transcript's 3' end. VCF-style (leftmost placement, unchanged base first): chr6-31669144-CTG-C. GRCh37 (hg19) VCF-style: chr6-31636921-CTG-C.
Other names: c.342_343del, p.Cys114_Glu115delinsTer (NM_001282385.2); c.340_341delTG (NM_001320.7).
Identifiers: ClinVar variation 4876691 (VCV004876691.1).

ClinVar aggregate classification (germline): Pathogenic (0 of 4 stars; one submission).

Conditions:
Poirier-Bienvenu neurodevelopmental syndrome (POBINDS). Identifiers: Orphanet 689397, MedGen C5231482, MONDO:0032889, OMIM 618732.

Submission:

Department of Neurology, Children's Hospital of Nanjing Medical University
Classification: Pathogenic for Poirier-Bienvenu neurodevelopmental syndrome. Last evaluated: 2020-10-29. Review status: no assertion criteria provided. Collection method: clinical testing. Allele origin: de novo. Inheritance: Autosomal dominant inheritance. Affected: yes. Observed: 1 variant allele, 1 heterozygote.
Comment: The LOF variant results in a possible loss of gene function. It is a de novo variant confirmed by parental testing (in a family). With a MAF < 0.0005, it is classified as a low-frequency variant.